The following is an entry in ClinVar:

NM_005585.5(SMAD6):c.92_100del (p.Gly31_Gly33del)

Gene: SMAD6 (SMAD family member 6; plus strand). Cytogenetic location: 15q22.31.
Variant type: Deletion.
Coding change: c.92_100del on transcript NM_005585.5 (MANE Select); coding-DNA positions 92 to 100, 9 bases deleted (GTGGCGGCG; older notation c.92_100delGTGGCGGCG).
Protein change: p.Gly31_Gly33del.
Molecular consequence: inframe deletion. On other transcripts: non-coding transcript variant (1).
Genome position (GRCh38, 1-based): chr15:66,703,350-66,703,358, GTGGCGGCG deleted; deleting any 9 consecutive bases within chr15:66,703,343-66,703,358 gives the same sequence; the c. name uses the placement nearest the transcript's 3' end. VCF-style (leftmost placement, unchanged base first): chr15-66703342-CGGCGGCGGT-C. GRCh37 (hg19) VCF-style: chr15-66995680-CGGCGGCGGT-C.
Identifiers: ClinVar variation 405516 (VCV000405516.8), dbSNP rs750149627, ClinGen allele CA16614467.

ClinVar aggregate classification (germline): Uncertain significance (1 of 4 stars; one submission).

Conditions:
Aortic valve disease 2 (AOVD2). Identifiers: MedGen C3542024, MONDO:0013902, OMIM 614823.

Submission:

Labcorp Genetics (formerly Invitae), Labcorp
Classification: Uncertain significance for Aortic valve disease 2. Last evaluated: 2026-02-03. Review status: criteria provided, single submitter. Criteria: Invitae Variant Classification Sherloc (09022015). Collection method: clinical testing. Allele origin: germline.
Comment: This variant, c.92_100del, results in the deletion of 3 amino acid(s) of the SMAD6 protein (p.Gly31_Gly33del), but otherwise preserves the integrity of the reading frame. This variant is present in population databases (no rsID available, gnomAD 0.003%). This variant has not been reported in the literature in individuals affected with SMAD6-related conditions. ClinVar contains an entry for this variant (Variation ID: 405516). Experimental studies and prediction algorithms are not available or were not evaluated, and the functional significance of this variant is currently unknown. In summary, the available evidence is currently insufficient to determine the role of this variant in disease. Therefore, it has been classified as a Variant of Uncertain Significance.